The following is an entry in ClinVar:

ClinVar aggregate classification (germline): Conflicting classifications of pathogenicity. Review status: criteria provided, conflicting classifications (1 of 4 stars). 7 submissions from 7 submitters: Uncertain significance (6); Benign (1). Last evaluated 2026-01-26.

Conditions:
Hereditary cancer-predisposing syndrome. Also called: Hereditary neoplastic syndrome; Hereditary Cancer Syndrome; Neoplastic Syndromes, Hereditary; Tumor predisposition. Identifiers: Orphanet 140162, MedGen C0027672, MeSH D009386, MONDO:0015356.
Peutz-Jeghers syndrome (PJS). Also called: Peutz-Jeghers polyposis; Periorificial lentiginosis syndrome; POLYPOSIS, HAMARTOMATOUS INTESTINAL; POLYPS-AND-SPOTS SYNDROME. Identifiers: Orphanet 2869, MedGen C0031269, MeSH D010580, MONDO:0008280, OMIM 175200.

Allele frequency attached by ClinVar (database versions not stated): gnomAD exomes 0.00001; ExAC 0.00005.
gnomAD v4.1: 3 of 1,563,632 alleles (0.00019%); highest among the groups gnomAD compares: Non-Finnish European, 0.000086%; no homozygotes.

Submissions (7):

Labcorp Genetics (formerly Invitae), Labcorp
Classification: Benign for Peutz-Jeghers syndrome. Last evaluated: 2026-01-26. Review status: criteria provided, single submitter. Criteria: Invitae Variant Classification Sherloc (09022015). Collection method: clinical testing. Allele origin: germline.

Ambry Genetics
Classification: Uncertain significance for Hereditary cancer-predisposing syndrome. Last evaluated: 2025-04-19. Review status: criteria provided, single submitter. Criteria: Ambry Variant Classification Scheme 2023. Collection method: clinical testing. Allele origin: germline.
Comment: The p.S419F variant (also known as c.1256C>T), located in coding exon 9 of the STK11 gene, results from a C to T substitution at nucleotide position 1256. The serine at codon 419 is replaced by phenylalanine, an amino acid with highly dissimilar properties. This amino acid position is well conserved in available vertebrate species. In addition, the in silico prediction for this alteration is inconclusive. Since supporting evidence is limited at this time, the clinical significance of this alteration remains unclear.

All of Us Research Program, National Institutes of Health
Classification: Uncertain significance for Peutz-Jeghers syndrome. Last evaluated: 2023-11-20. Review status: criteria provided, single submitter. Criteria: ACMG Guidelines, 2015. Collection method: clinical testing. Allele origin: germline. Inheritance: Autosomal dominant inheritance. Observed: 1 variant allele, 1 heterozygote.
Comment: This missense variant replaces serine with phenylalanine at codon 419 of the STK11 protein. Computational prediction suggests that this variant may not impact protein structure and function (internally defined REVEL score threshold <= 0.5, PMID: 27666373). To our knowledge, functional studies have not been reported for this variant. This variant has not been reported in individuals affected with STK11-related disorders in the literature. This variant has been identified in 1/163056 chromosomes in the general population by the Genome Aggregation Database (gnomAD). The available evidence is insufficient to determine the role of this variant in disease conclusively. Therefore, this variant is classified as a Variant of Uncertain Significance.

This study involves interpretation of variants in research participants for the purpose of population health screening. Participant phenotype was not available at the time of variant classification. Additional details can be found in publication PMID: 35346344, PMCID: PMC8962531

Color Diagnostics, LLC DBA Color Health
Classification: Uncertain significance for Hereditary cancer-predisposing syndrome. Last evaluated: 2023-11-02. Review status: criteria provided, single submitter. Criteria: ACMG Guidelines, 2015. Collection method: clinical testing. Allele origin: germline.
Comment: This missense variant replaces serine with phenylalanine at codon 419 of the STK11 protein. Computational prediction suggests that this variant may not impact protein structure and function (internally defined REVEL score threshold <= 0.5, PMID: 27666373). To our knowledge, functional studies have not been reported for this variant. This variant has not been reported in individuals affected with STK11-related disorders in the literature. This variant has been identified in 1/163056 chromosomes in the general population by the Genome Aggregation Database (gnomAD). The available evidence is insufficient to determine the role of this variant in disease conclusively. Therefore, this variant is classified as a Variant of Uncertain Significance.

Genome-Nilou Lab
Classification: Uncertain significance for Peutz-Jeghers syndrome. Last evaluated: 2021-07-15. Review status: criteria provided, single submitter. Criteria: ACMG Guidelines, 2015. Collection method: clinical testing. Allele origin: germline. Affected: no.

Sema4
Classification: Uncertain significance for Hereditary cancer-predisposing syndrome. Last evaluated: 2021-06-11. Review status: criteria provided, single submitter. Criteria: Sema4 Curation Guidelines. Collection method: curation. Allele origin: germline.
Comment: The STK11 c.1256C>T (p.S419F) variant has not been reported in literature to our knowledge. This variant was observed in 1/65652 chromosomes in the European Non-Finnish subpopulation according to the Genome Aggregation Database (PMID: 32461654). This variant has been reported in ClinVar (Variation ID 422333). In silico tools suggest the impact of the variant on protein function is benign, though these predictions have not been confirmed by functional studies. The overall evidence is insufficient to meet ACMG/AMP criteria for classifying it as benign or pathogenic. In summary, the clinical significance of this variant is currently uncertain.

GeneDx
Classification: Uncertain significance. Last evaluated: 2016-09-26. Review status: criteria provided, single submitter. Criteria: GeneDx Variant Classification (06012015). Collection method: clinical testing. Allele origin: germline. Affected: yes.
Comment: This variant is denoted STK11 c.1256C>T at the cDNA level, p.Ser419Phe (S419F) at the protein level, and results in the change of a Serine to a Phenylalanine (TCC>TTC). This variant has not, to our knowledge, been published in the literature as a germline variant. STK11 Ser419Phe has been reported as a somatic variant in a melanoma patient-derived xenograft (Kemper 2016). This variant was not observed in approximately 6,500 individuals of European and African American ancestry in the NHLBI Exome Sequencing Project, suggesting it is not a common benign variant in these populations. Since Serine and Phenylalanine differ in polarity, charge, size or other properties, this is considered a non-conservative amino acid substitution. STK11 Ser419Phe occurs at a position that is not conserved and is located in the C-terminal domain (Hearle 2006). In silico analyses are inconsistent regarding the effect this variant may have on protein structure and function. Based on currently available evidence, it is unclear whether STK11 Ser419Phe is a pathogenic or benign variant. We consider it to be a variant of uncertain significance.

NM_000455.5(STK11):c.1256C>T (p.Ser419Phe)

Gene: STK11 (serine/threonine kinase 11; plus strand). Cytogenetic location: 19p13.3.
Variant type: single nucleotide variant.
Coding change: c.1256C>T on transcript NM_000455.5 (MANE Select); coding-DNA position 1256, C replaced by T.
Protein change: p.Ser419Phe; replaces serine 419 with phenylalanine.
Molecular consequence: missense variant.
Genome position (GRCh38, 1-based): chr19:1,226,601, C>T. VCF-style: chr19-1226601-C-T. GRCh37 (hg19) VCF-style: chr19-1226600-C-T.
Other names: short protein forms S419F.
Identifiers: ClinVar variation 422333 (VCV000422333.22), dbSNP rs764639416, ClinGen allele CA046132.